The following is an entry in ClinVar:

NM_007214.5(SEC63):c.976C>G (p.Leu326Val)

Gene: SEC63 (SEC63 protein translocation regulator; minus strand). Cytogenetic location: 6q21.
Variant type: single nucleotide variant.
Coding change: c.976C>G on transcript NM_007214.5 (MANE Select); coding-DNA position 976, C replaced by G.
Protein change: p.Leu326Val; replaces leucine 326 with valine.
Molecular consequence: missense variant.
Genome position (GRCh38, 1-based): chr6:107,904,707, G>C on the plus strand (C>G on the coding strand, the complement: SEC63 is on the minus strand). VCF-style: chr6-107904707-G-C. GRCh37 (hg19) VCF-style: chr6-108225911-G-C.
Other names: short protein forms L326V.
Identifiers: ClinVar variation 1429687 (VCV001429687.8), dbSNP rs2114447009, ClinGen allele CA365183393.

ClinVar aggregate classification (germline): Uncertain significance (1 of 4 stars; one submission).

Submission:

Labcorp Genetics (formerly Invitae), Labcorp
Classification: Uncertain significance. Last evaluated: 2024-02-24. Review status: criteria provided, single submitter. Criteria: Invitae Variant Classification Sherloc (09022015). Collection method: clinical testing. Allele origin: germline.
Comment: This sequence change replaces leucine, which is neutral and non-polar, with valine, which is neutral and non-polar, at codon 326 of the SEC63 protein (p.Leu326Val). This variant is not present in population databases (gnomAD no frequency). This variant has not been reported in the literature in individuals affected with SEC63-related conditions. ClinVar contains an entry for this variant (Variation ID: 1429687). An algorithm developed to predict the effect of missense changes on protein structure and function (PolyPhen-2) suggests that this variant is likely to be tolerated. In summary, the available evidence is currently insufficient to determine the role of this variant in disease. Therefore, it has been classified as a Variant of Uncertain Significance.